The following is an entry in ClinVar:

ClinVar aggregate classification (germline): Pathogenic/Likely pathogenic. Review status: criteria provided, multiple submitters, no conflicts (2 of 4 stars). 2 submissions from 2 submitters: Pathogenic (1); Likely pathogenic (1). Last evaluated 2024-11-13.

Conditions:
Congenital lactic acidosis, Saguenay-Lac-Saint-Jean type (MC4DN5). Also called: CYTOCHROME c OXIDASE DEFICIENCY, FRENCH CANADIAN TYPE; COX DEFICIENCY, FRENCH CANADIAN TYPE; MITOCHONDRIAL COMPLEX IV DEFICIENCY, NUCLEAR TYPE 5. Identifiers: Orphanet 70472, MedGen C1857355, MONDO:0009069, OMIM 220111.

Submissions (2):

Natera, Inc.
Classification: Likely pathogenic for French-Canadian type Leigh syndrome. Last evaluated: 2024-11-13. Review status: criteria provided, single submitter. Criteria: Natera Variant Classification Schema (03/2026). Collection method: clinical testing. Allele origin: germline.
Comment: The c.2978dupT variant in LRPPRC is a frameshift variant predicted to shift the reading frame beginning at codon 993 and leads to a stop codon 9 codons downstream. This variant is expected to result in nonsense mediated decay, truncation, or a dysfunctional protein product. This variant is rare in the general population with a frequency below the threshold expected for the associated phenotype(s). Given the available evidence, this variant is classified as Likely Pathogenic.

Myriad Genetics, Inc.
Classification: Pathogenic for Congenital lactic acidosis, Saguenay-Lac-Saint-Jean type. Last evaluated: 2024-03-24. Review status: criteria provided, single submitter. Criteria: Myriad Autosomal Dominant, Autosomal Recessive and X-Linked Classification Criteria (2023). Collection method: clinical testing. Allele origin: unknown.
Comment: NM_133259.3(LRPPRC):c.2978dupT(L993Ffs*9) is expected to be pathogenic in the context of Leigh syndrome, French-Canadian type. This variant is predicted to lead to an abnormal or absent protein product due to the creation of a premature termination codon in LRPPRC, a gene where loss-of-function variants are known to be pathogenic. Please note: this variant was assessed in the context of healthy population screening.

NM_133259.4(LRPPRC):c.2978dup (p.Leu993fs)

Gene: LRPPRC (leucine rich pentatricopeptide repeat containing; minus strand). Cytogenetic location: 2p21.
Variant type: Duplication.
Coding change: c.2978dup on transcript NM_133259.4 (MANE Select); coding-DNA position 2978, one base duplicated (T; older notation c.2978dupT).
Protein change: p.Leu993fs; shifts the reading frame from leucine 993.
Molecular consequence: frameshift variant.
Genome position (GRCh38, 1-based): chr2:43,918,317, A duplicated on the plus strand (T on the coding strand, the reverse complement: LRPPRC is on the minus strand); the first of 2 consecutive A bases (chr2:43,918,317-43,918,318); duplicating either gives the same sequence. VCF-style (leftmost placement, unchanged base first): chr2-43918316-T-TA. GRCh37 (hg19) VCF-style: chr2-44145455-T-TA.
Other names: short protein forms L993fs.
Identifiers: ClinVar variation 4816489 (VCV004816489.2).